The following is an entry in ClinVar:

ClinVar aggregate classification (germline): Uncertain significance (1 of 4 stars; one submission).

Conditions:
Neurodevelopmental disorder with dysmorphic facies, impaired speech, and hypotonia. Identifiers: MedGen C5436585, MONDO:0033562, OMIM 619005.
Deeah syndrome. Also called: DEVELOPMENTAL DELAY WITH ENDOCRINE, EXOCRINE, AUTONOMIC, AND HEMATOLOGIC ABNORMALITIES. Identifiers: Orphanet 686495, MedGen C5436579, MONDO:0033561, OMIM 619004.

Allele frequency attached by ClinVar (database versions not stated): gnomAD exomes below 0.00001; ExAC 0.00001.
gnomAD v4.1: 7 of 1,614,038 alleles (0.00043%); highest among the groups gnomAD compares: South Asian, 0.0022%; no homozygotes.

Submission:

Diagnostics Services (NGS), CSIR - Centre For Cellular And Molecular Biology
Classification: Uncertain significance for Deeah syndrome; Neurodevelopmental disorder with dysmorphic facies, impaired speech, and hypotonia. Last evaluated: 2022-12-01. Review status: criteria provided, single submitter. Criteria: ACMG Guidelines, 2015. Collection method: clinical testing. Allele origin: unknown. Affected: yes. Observed: 1 variant allele, 1 homozygote.
Comment: The c.3704G>A variant is not present in publicly available population databases like 1000 Genomes, EVS, Indian Exome Database or our in-house exome database. The variant is present in ExAC and gnomAD at a low frequency. The variant has neither been published in literature nor reported to clinical databases like ClinVar, Human Genome Mutation Database (HGMD) or OMIM, in any affected individuals. In silico pathogenicity prediction programs like SIFT, PolyPhen2, MutationTaster2, CADD etc predicted this variant to be likely deleterious, however these predictions were not confirmed by any published functional studies.

NM_001376571.1(MADD):c.3704G>A (p.Arg1235Gln)

Gene: MADD (MAP kinase activating death domain; plus strand). Cytogenetic location: 11p11.2.
Variant type: single nucleotide variant.
Coding change: c.3704G>A on transcript NM_001376571.1 (MANE Select); coding-DNA position 3704, G replaced by A.
Protein change: p.Arg1235Gln; replaces arginine 1235 with glutamine.
Molecular consequence: missense variant. On other transcripts: non-coding transcript variant (8), intron variant (1).
Genome position (GRCh38, 1-based): chr11:47,296,000, G>A. VCF-style: chr11-47296000-G-A. GRCh37 (hg19) VCF-style: chr11-47317551-G-A.
Other names: c.3650G>A, p.Arg1217Gln (NM_001376605.1, NM_130473.3, NM_001376574.1); c.3647G>A, p.Arg1216Gln (NM_001376606.1, NM_001376633.1); c.3509G>A, p.Arg1170Gln (NM_001376607.1, NM_001376617.1, NM_001376642.1 and 2 more transcripts); c.3641G>A, p.Arg1214Gln (NM_001376608.1); c.3638G>A, p.Arg1213Gln (NM_001376609.1, NM_001376634.1); c.3632G>A, p.Arg1211Gln (NM_001376610.1, NM_001376576.1, NM_001376577.1); c.3488G>A, p.Arg1163Gln (NM_001376611.1, NM_001376626.1, NM_001376648.1 and 1 more transcripts); c.3590G>A, p.Arg1197Gln (NM_001376612.1, NM_130470.3, NM_001376584.1); and 35 more; short protein forms R1024Q, R1100Q, R1102Q, R1103Q, R1106Q, R1116Q, R1120Q, R1129Q.
Identifiers: ClinVar variation 1802277 (VCV001802277.3), dbSNP rs757474321, ClinGen allele CA5974896.
Genomic context (GRCh38, chr11:47,296,000, plus strand): 5'-TGAGCAGCAATGCAGGTGATGGACCAGGTGGCGAGGGCAGTGTTCACCTGGCAAGCTCTC[G>A]GGGCACTTTGTCTGATAGTGAAATTGAGACCAACTCTGCCACAAGCACCATCTTTGTAAG-3'
Protein context (NP_001363500.1, residues 1225-1245): GEGSVHLASS[Arg1235Gln]GTLSDSEIET